The following is an entry in ClinVar:

NM_000038.6(APC):c.902C>T (p.Pro301Leu)

Gene: APC (APC regulator of Wnt signaling pathway; plus strand). Cytogenetic location: 5q22.2.
Variant type: single nucleotide variant.
Coding change: c.902C>T on transcript NM_000038.6 (MANE Select); coding-DNA position 902, C replaced by T.
Protein change: p.Pro301Leu; replaces proline 301 with leucine.
Molecular consequence: missense variant.
Genome position (GRCh38, 1-based): chr5:112,815,562, C>T. VCF-style: chr5-112815562-C-T. GRCh37 (hg19) VCF-style: chr5-112151259-C-T.
Other names: c.902C>T, p.Pro301Leu (NM_001127510.3, NM_001354895.2, NM_001354896.2 and 12 more transcripts); c.848C>T, p.Pro283Leu (NM_001127511.3); c.932C>T, p.Pro311Leu (NM_001354897.2, NM_001354902.2, NM_001407446.1); c.827C>T, p.Pro276Leu (NM_001354898.2, NM_001354904.2, NM_001407451.1); c.818C>T, p.Pro273Leu (NM_001354899.2, NM_001407452.1, NM_001407467.1 and 1 more transcripts); c.725C>T, p.Pro242Leu (NM_001354900.2, NM_001354901.2, NM_001354905.2 and 1 more transcripts); c.53C>T, p.Pro18Leu (NM_001354906.2, NM_001407470.1, NM_001407471.1 and 1 more transcripts); short protein forms P276L, P283L, P18L, P311L, P242L, P273L, P301L.
Identifiers: ClinVar variation 1765531 (VCV001765531.3), dbSNP rs2149763638, ClinGen allele CA16023291.
Genomic context (GRCh38, chr5:112,815,562, plus strand): 5'-CTACACGAATGGACCATGAAACAGCCAGTGTTTTGAGTTCTAGTAGCACACACTCTGCAC[C>T]TCGAAGGCTGACAAGTCATCTGGGAACCAAGGTAACAGAAGATTACAAACCCTGGTCACT-3'
Protein context (NP_000029.2, residues 291-311): VLSSSSTHSA[Pro301Leu]RRLTSHLGTK

ClinVar aggregate classification (germline): Uncertain significance (1 of 4 stars; one submission).

Conditions:
Hereditary cancer-predisposing syndrome. Also called: Neoplastic Syndromes, Hereditary; Tumor predisposition; Hereditary Cancer Syndrome; Hereditary neoplastic syndrome. Identifiers: Orphanet 140162, MedGen C0027672, MeSH D009386, MONDO:0015356.

Submission:

Ambry Genetics
Classification: Uncertain significance for Hereditary cancer-predisposing syndrome. Last evaluated: 2025-04-16. Review status: criteria provided, single submitter. Criteria: Ambry Variant Classification Scheme 2023. Collection method: clinical testing. Allele origin: germline.
Comment: The p.P301L variant (also known as c.902C>T), located in coding exon 8 of the APC gene, results from a C to T substitution at nucleotide position 902. The proline at codon 301 is replaced by leucine, an amino acid with similar properties. This amino acid position is highly conserved in available vertebrate species. In addition, in silico predictors for this gene do not accurately predict pathogenicity. Missense alterations in APC are not a common cause of disease (Spier I et al. Genet Med. 2024 Feb;26(2):100992). Since supporting evidence is limited at this time, the clinical significance of this alteration remains unclear.